The following is an entry in ClinVar:

NM_005883.3(APC2):c.419T>C (p.Phe140Ser)

Gene: APC2 (APC regulator of Wnt signaling pathway 2; plus strand). Cytogenetic location: 19p13.3.
Variant type: single nucleotide variant.
Coding change: c.419T>C on transcript NM_005883.3 (MANE Select); coding-DNA position 419, T replaced by C.
Protein change: p.Phe140Ser; replaces phenylalanine 140 with serine.
Molecular consequence: missense variant.
Genome position (GRCh38, 1-based): chr19:1,455,154, T>C. VCF-style: chr19-1455154-T-C. GRCh37 (hg19) VCF-style: chr19-1455153-T-C.
Other names: c.419T>C, p.Phe140Ser (NM_001351273.1); short protein forms F140S.
Identifiers: ClinVar variation 713027 (VCV000713027.35), dbSNP rs143295265, ClinGen allele CA9044740.

ClinVar aggregate classification (germline): Likely benign. Review status: criteria provided, multiple submitters, no conflicts (2 of 4 stars). 5 submissions from 5 submitters: Likely benign (4). 1 of the submissions does not count toward it. Last evaluated 2026-01-15.

Conditions:
APC2-related disorder. Also called: APC2-Related Disorders; APC2-related condition.

Allele frequency attached by ClinVar (database versions not stated): 1000 Genomes Project 30x 0.00047; 1000 Genomes Project 0.00060; gnomAD exomes 0.00154 and 0.00288; gnomAD 0.00167 and 0.00170; TOPMed 0.00182; ESP Exome Variant Server 0.00208; ExAC 0.00261.
gnomAD v4.1: 4,318 of 1,574,352 alleles (0.27%); highest among the groups gnomAD compares: Non-Finnish European, 0.34%; 9 homozygotes.

Submissions (5):

Labcorp Genetics (formerly Invitae), Labcorp
Classification: Likely benign. Last evaluated: 2026-01-15. Review status: criteria provided, single submitter. Criteria: Invitae Variant Classification Sherloc (09022015). Collection method: clinical testing. Allele origin: germline.

CeGaT Center for Human Genetics Tuebingen
Classification: Likely benign. Last evaluated: 2025-12-01. Review status: criteria provided, single submitter. Criteria: CeGaT Center For Human Genetics Tuebingen Variant Classification Criteria Version 2. Collection method: clinical testing. Allele origin: germline. Affected: yes. Observed: 6 variant alleles.
Comment: APC2: BS2

Women's Health and Genetics/Laboratory Corporation of America, LabCorp
Classification: Likely benign. Last evaluated: 2025-04-28. Review status: criteria provided, single submitter. Criteria: LabCorp Variant Classification Summary - May 2015. Collection method: clinical testing. Allele origin: germline.
Comment: Variant summary: APC2 c.419T>C (p.Phe140Ser) results in a non-conservative amino acid change in the encoded protein sequence. Three of five in-silico tools predict a benign effect of the variant on protein function. The variant allele was found at a frequency of 0.0015 in 205104 control chromosomes, predominantly at a frequency of 0.0027 within the Non-Finnish European subpopulation in the gnomAD database, including 1 homozygotes. The observed variant frequency within Non-Finnish European control individuals in the gnomAD database exceeds the estimated maximal expected allele frequency for a pathogenic variant in APC2 causing APC2-Related Disorders phenotype. To our knowledge, no occurrence of c.419T>C in individuals affected with APC2-Related Disorders and no experimental evidence demonstrating its impact on protein function have been reported. ClinVar contains an entry for this variant (Variation ID: 713027). Based on the evidence outlined above, the variant was classified as likely benign.

Breakthrough Genomics
Classification: Likely benign. Review status: criteria provided, single submitter. Criteria: ACMG Guidelines, 2015. Collection method: not provided. Allele origin: germline. Inheritance: Autosomal recessive inheritance. Affected: yes.

PreventionGenetics, part of Exact Sciences
Classification: Likely benign for APC2-related condition. Last evaluated: 2022-10-24. Review status: no assertion criteria provided. Collection method: clinical testing. Allele origin: germline. Not counted in ClinVar's aggregate classification.
Comment: This variant is classified as likely benign based on ACMG/AMP sequence variant interpretation guidelines (Richards et al. 2015 PMID: 25741868, with internal and published modifications).